The following is an entry in ClinVar:

NM_022356.4(P3H1):c.586G>A (p.Asp196Asn)

Gene: P3H1 (prolyl 3-hydroxylase 1; minus strand). Cytogenetic location: 1p34.2.
Variant type: single nucleotide variant.
Coding change: c.586G>A on transcript NM_022356.4 (MANE Select); coding-DNA position 586, G replaced by A.
Protein change: p.Asp196Asn; replaces aspartic acid 196 with asparagine.
Molecular consequence: missense variant.
Genome position (GRCh38, 1-based): chr1:42,762,355, C>T on the plus strand (G>A on the coding strand, the complement: P3H1 is on the minus strand). VCF-style: chr1-42762355-C-T. GRCh37 (hg19) VCF-style: chr1-43228026-C-T.
Other names: c.586G>A, p.Asp196Asn (NM_001243246.2, NM_001146289.2); short protein forms D196N.
Identifiers: ClinVar variation 1944026 (VCV001944026.2), dbSNP rs777460970, ClinGen allele CA802149.

ClinVar aggregate classification (germline): Uncertain significance (1 of 4 stars; one submission).

Conditions:
Osteogenesis imperfecta type 8 (OI8). Identifiers: MedGen C1970458, MONDO:0012581, OMIM 610915.

Allele frequency attached by ClinVar (database versions not stated): gnomAD 0.00001; gnomAD exomes 0.00001; TOPMed 0.00001.

Submission:

Labcorp Genetics (formerly Invitae), Labcorp
Classification: Uncertain significance for Osteogenesis imperfecta type 8. Last evaluated: 2022-04-12. Review status: criteria provided, single submitter. Criteria: Invitae Variant Classification Sherloc (09022015). Collection method: clinical testing. Allele origin: germline.
Comment: This sequence change replaces aspartic acid, which is acidic and polar, with asparagine, which is neutral and polar, at codon 196 of the P3H1 protein (p.Asp196Asn). This variant is present in population databases (rs777460970, gnomAD 0.006%). This variant has not been reported in the literature in individuals affected with P3H1-related conditions. Algorithms developed to predict the effect of missense changes on protein structure and function (SIFT, PolyPhen-2, Align-GVGD) all suggest that this variant is likely to be tolerated. In summary, the available evidence is currently insufficient to determine the role of this variant in disease. Therefore, it has been classified as a Variant of Uncertain Significance.